The following is an entry in ClinVar:

NM_014049.5(ACAD9):c.744_747del (p.Arg249fs)

Gene: ACAD9 (acyl-CoA dehydrogenase family member 9; plus strand). Cytogenetic location: 3q21.3.
Variant type: Deletion.
Coding change: c.744_747del on transcript NM_014049.5 (MANE Select); coding-DNA positions 744 to 747, 4 bases deleted (AAGA; older notation c.744_747delAAGA).
Protein change: p.Arg249fs; shifts the reading frame from arginine 249.
Molecular consequence: frameshift variant. On other transcripts: non-coding transcript variant (1).
Genome position (GRCh38, 1-based): chr3:128,899,397-128,899,400, AAGA deleted; deleting any 4 consecutive bases within chr3:128,899,394-128,899,400 gives the same sequence; the c. name uses the placement nearest the transcript's 3' end. VCF-style (leftmost placement, unchanged base first): chr3-128899393-TAGAA-T. GRCh37 (hg19) VCF-style: chr3-128618236-TAGAA-T.
Other names: c.744_747delAAGA (NM_014049.5); c.375_378delAAGA, p.Arg126Thrfs (NM_001410805.1); short protein forms R249fs.
Identifiers: ClinVar variation 2065147 (VCV002065147.5), dbSNP rs2529262095, ClinGen allele CA2580068716.
Genomic context (GRCh38, chr3:128,899,393, plus strand): 5'-CAAAGACTGAGGTCGTTGATTCTGATGGATCAGTGAAAGACAAAATCACAGCATTCATAG[TAGAA>T]AGAGACTTTGGTGGAGTCACTAATGGGAAACCCGAAGATAAATTAGGCATTCGGGGCTCC-3'

ClinVar aggregate classification (germline): Pathogenic. Review status: criteria provided, multiple submitters, no conflicts (2 of 4 stars). 2 submissions from 2 submitters: Pathogenic (2). Last evaluated 2024-04-15.

Conditions:
Mitochondrial complex I deficiency. Also called: NADH:Q(1) OXIDOREDUCTASE DEFICIENCY. Identifiers: Orphanet 2609, MedGen C1838979, MeSH C537475, MONDO:0100133.

Submissions (2):

Women's Health and Genetics/Laboratory Corporation of America, LabCorp
Classification: Pathogenic for Mitochondrial complex I deficiency. Last evaluated: 2024-04-15. Review status: criteria provided, single submitter. Criteria: LabCorp Variant Classification Summary - May 2015. Collection method: clinical testing. Allele origin: germline.
Comment: Variant summary: ACAD9 c.744_747delAAGA (p.Arg249ThrfsX14) results in a premature termination codon, predicted to cause absence of the protein due to nonsense mediated decay, which is a commonly known mechanism for disease. The variant was absent in 251476 control chromosomes (gnomAD). To our knowledge, no occurrence of c.744_747delAAGA in individuals affected with Mitochondrial Complex I Deficiency, Nuclear Type 20 and no experimental evidence demonstrating its impact on protein function have been reported. ClinVar contains an entry for this variant (Variation ID: 2065147). Based on the evidence outlined above, the variant was classified as pathogenic.

Labcorp Genetics (formerly Invitae), Labcorp
Classification: Pathogenic. Last evaluated: 2022-07-13. Review status: criteria provided, single submitter. Criteria: Invitae Variant Classification Sherloc (09022015). Collection method: clinical testing. Allele origin: germline.
Comment: This variant is not present in population databases (gnomAD no frequency). This sequence change creates a premature translational stop signal (p.Arg249Thrfs*14) in the ACAD9 gene. It is expected to result in an absent or disrupted protein product. Loss-of-function variants in ACAD9 are known to be pathogenic (PMID: 25721401). This variant has not been reported in the literature in individuals affected with ACAD9-related conditions. For these reasons, this variant has been classified as Pathogenic.

Literature cited by the submitters: PubMed 25721401 (cited by Labcorp Genetics (formerly Invitae), Labcorp).